The following is an entry in ClinVar:

ClinVar aggregate classification (germline): Uncertain significance (1 of 4 stars; one submission).

Allele frequency attached by ClinVar (database versions not stated): gnomAD exomes 0.00001.
gnomAD v4.1: 3 of 1,614,126 alleles (0.00019%); highest among the groups gnomAD compares: Non-Finnish European, 0.00017%; no homozygotes.

Submission:

Labcorp Genetics (formerly Invitae), Labcorp
Classification: Uncertain significance. Last evaluated: 2023-05-23. Review status: criteria provided, single submitter. Criteria: Invitae Variant Classification Sherloc (09022015). Collection method: clinical testing. Allele origin: germline.
Comment: This variant has not been reported in the literature in individuals affected with KLHL3-related conditions. This variant is present in population databases (no rsID available, gnomAD 0.002%). This sequence change replaces arginine, which is basic and polar, with histidine, which is basic and polar, at codon 480 of the KLHL3 protein (p.Arg480His). Advanced modeling of protein sequence and biophysical properties (such as structural, functional, and spatial information, amino acid conservation, physicochemical variation, residue mobility, and thermodynamic stability) performed at Invitae indicates that this missense variant is expected to disrupt KLHL3 protein function. In summary, the available evidence is currently insufficient to determine the role of this variant in disease. Therefore, it has been classified as a Variant of Uncertain Significance.

NM_017415.3(KLHL3):c.1439G>A (p.Arg480His)

Gene: KLHL3 (kelch like family member 3; minus strand). Cytogenetic location: 5q31.2.
Variant type: single nucleotide variant.
Coding change: c.1439G>A on transcript NM_017415.3 (MANE Select); coding-DNA position 1439, G replaced by A.
Protein change: p.Arg480His; replaces arginine 480 with histidine.
Molecular consequence: missense variant.
Genome position (GRCh38, 1-based): chr5:137,634,048, C>T on the plus strand (G>A on the coding strand, the complement: KLHL3 is on the minus strand). VCF-style: chr5-137634048-C-T. GRCh37 (hg19) VCF-style: chr5-136969737-C-T.
Other names: c.1343G>A, p.Arg448His (NM_001257194.1); c.1193G>A, p.Arg398His (NM_001257195.2); short protein forms R398H, R448H, R480H.
Identifiers: ClinVar variation 2807334 (VCV002807334.3), dbSNP rs1236385408, ClinGen allele CA361046921.
Genomic context (GRCh38, chr5:137,634,048, plus strand): 5'-CACTTGTGAGCAAATCAGACACAGCCAGCACCCCGAGGTTCTCCCATACCTGCGCCACTG[C>T]GGCGGGTGCTCATGTCCGCCACGTATATCCATTCATTGGTCGCTGGGTTGTACTGCTCCA-3'
Protein context (NP_059111.2, residues 470-490): WIYVADMSTR[Arg480His]SGAGVGVLSG